The following is an entry in ClinVar:

ClinVar aggregate classification (germline): Uncertain significance. Review status: criteria provided, single submitter (1 of 4 stars). 2 submissions from 2 submitters: Uncertain significance (1). 1 of the submissions does not count toward it. Last evaluated 2023-06-28.

Conditions:
Hereditary cancer-predisposing syndrome. Also called: Hereditary neoplastic syndrome; Neoplastic Syndromes, Hereditary; Tumor predisposition; Hereditary Cancer Syndrome. Identifiers: Orphanet 140162, MedGen C0027672, MeSH D009386, MONDO:0015356.

Allele frequency attached by ClinVar (database versions not stated): gnomAD exomes below 0.00001.
gnomAD v4.1: 1 of 1,614,226 alleles (0.000062%); highest among the groups gnomAD compares: East Asian, 0.0022%; no homozygotes.

Submissions (2):

Color Diagnostics, LLC DBA Color Health
Classification: Uncertain significance for Hereditary cancer-predisposing syndrome. Last evaluated: 2023-06-28. Review status: criteria provided, single submitter. Criteria: ACMG Guidelines, 2015. Collection method: clinical testing. Allele origin: germline.
Comment: This missense variant replaces glutamine with proline at codon 479 of the PALB2 protein. Computational prediction suggests that this variant may not impact protein structure and function (internally defined REVEL score threshold <= 0.5, PMID: 27666373). To our knowledge, functional studies have not been reported for this variant. This variant has been reported in a breast cancer and a pancreatic cancer case-control study in which it was detected in unaffected control in both studies and absent in 7051 female breast cancer and 1005 pancreatic cancer cases (PMID: 30287823, 32980694). This variant has not been identified in the general population by the Genome Aggregation Database (gnomAD). The available evidence is insufficient to determine the role of this variant in disease conclusively. Therefore, this variant is classified as a Variant of Uncertain Significance.

Leiden Open Variation Database
Classification: Uncertain significance. Last evaluated: 2018-10-10. Review status: no assertion criteria provided. Collection method: curation. Allele origin: germline. Affected: yes. Not counted in ClinVar's aggregate classification.
Comment: Curators: Marc Tischkowitz, Arleen D. Auerbach. Submitter to LOVD: Yukihide Momozawa.

Literature cited by the submitters: PubMed 30287823 (cited by Color Diagnostics, LLC DBA Color Health and Leiden Open Variation Database); PubMed 32980694 (cited by Color Diagnostics, LLC DBA Color Health).

NM_024675.4(PALB2):c.1436A>C (p.Gln479Pro)

Gene: PALB2 (partner and localizer of BRCA2; minus strand). Cytogenetic location: 16p12.2.
Variant type: single nucleotide variant.
Coding change: c.1436A>C on transcript NM_024675.4 (MANE Select); coding-DNA position 1436, A replaced by C.
Protein change: p.Gln479Pro; replaces glutamine 479 with proline.
Molecular consequence: missense variant.
Genome position (GRCh38, 1-based): chr16:23,635,110, T>G on the plus strand (A>C on the coding strand, the complement: PALB2 is on the minus strand). VCF-style: chr16-23635110-T-G. GRCh37 (hg19) VCF-style: chr16-23646431-T-G.
Other names: short protein forms Q479P.
Identifiers: ClinVar variation 830139 (VCV000830139.3), dbSNP rs1966968128, ClinGen allele CA395131279.